The following is an entry in ClinVar:

NM_015161.3(ARL6IP1):c.491T>C (p.Ile164Thr)

Gene: ARL6IP1 (ARL6 interacting reticulophagy regulator 1; minus strand). Cytogenetic location: 16p12.3.
Variant type: single nucleotide variant.
Coding change: c.491T>C on transcript NM_015161.3 (MANE Select); coding-DNA position 491, T replaced by C.
Protein change: p.Ile164Thr; replaces isoleucine 164 with threonine.
Molecular consequence: missense variant.
Genome position (GRCh38, 1-based): chr16:18,794,601, A>G on the plus strand (T>C on the coding strand, the complement: ARL6IP1 is on the minus strand). VCF-style: chr16-18794601-A-G. GRCh37 (hg19) VCF-style: chr16-18805923-A-G.
Other names: c.404T>C, p.Ile135Thr (NM_001313858.1); short protein forms I135T, I164T.
Identifiers: ClinVar variation 3905537 (VCV003905537.10).

ClinVar aggregate classification (germline): Uncertain significance (1 of 4 stars; one submission).

gnomAD v4.1: 5 of 1,612,198 alleles (0.00031%); highest among the groups gnomAD compares: Non-Finnish European, 0.00042%; no homozygotes.

Submission:

CeGaT Center for Human Genetics Tuebingen
Classification: Uncertain significance. Last evaluated: 2025-06-01. Review status: criteria provided, single submitter. Criteria: CeGaT Center For Human Genetics Tuebingen Variant Classification Criteria Version 2. Collection method: clinical testing. Allele origin: germline. Affected: yes. Observed: 1 variant allele.
Comment: ARL6IP1: PM2